The following is an entry in ClinVar:

NM_014850.4(SRGAP3):c.2163C>T (p.Ser721=)

Gene: SRGAP3 (SLIT-ROBO Rho GTPase activating protein 3; minus strand). Cytogenetic location: 3p25.3.
Variant type: single nucleotide variant.
Coding change: c.2163C>T on transcript NM_014850.4 (MANE Select); coding-DNA position 2163, C replaced by T.
Protein change: p.Ser721=; no amino-acid change (serine 721 retained).
Molecular consequence: synonymous variant.
Genome position (GRCh38, 1-based): chr3:9,010,372, G>A on the plus strand (C>T on the coding strand, the complement: SRGAP3 is on the minus strand). VCF-style: chr3-9010372-G-A. GRCh37 (hg19) VCF-style: chr3-9052056-G-A.
Other names: NC_000003.11:g.9052056G>A; c.2091C>T, p.Ser697= (NM_001033117.3).
Identifiers: ClinVar variation 732286 (VCV000732286.7), dbSNP rs76476731, ClinGen allele CA2237559.
Genomic context (GRCh38, chr3:9,010,372, plus strand): 5'-ATCGCTGGTATGAGGCTCAGTGCCATTGTCATGGTCAACTTCATCGATGGCCCCTGGCTC[G>A]CTGTGTGGGCTGTCACTGCAAGGAAACACGGGAATGGGACTCACTGCGGGGGGTTATCTA-3'
Protein context (NP_055665.1, residues 711-731): GGEEYCDSPH[Ser721=]EPGAIDEVDH

ClinVar aggregate classification (germline): Benign. Review status: criteria provided, single submitter (1 of 4 stars). 2 submissions from 2 submitters: Benign (1). 1 of the submissions does not count toward it. Last evaluated 2019-12-31.

Conditions:
SRGAP3-related disorder. Also called: SRGAP3-related condition.

Allele frequency attached by ClinVar (database versions not stated): 1000 Genomes Project 0.00319; gnomAD 0.00036 and 0.00052; gnomAD exomes 0.00131 and 0.00031; 1000 Genomes Project 30x 0.00359; ExAC 0.00124; ESP Exome Variant Server 0.00008; TOPMed 0.00068.
gnomAD v4.1: 542 of 1,614,046 alleles (0.034%); highest among the groups gnomAD compares: East Asian, 1%; 4 homozygotes.

Submissions (3):

Labcorp Genetics (formerly Invitae), Labcorp
Classification: Benign. Last evaluated: 2019-12-31. Review status: criteria provided, single submitter. Criteria: Invitae Variant Classification Sherloc (09022015). Collection method: clinical testing. Allele origin: germline.

PreventionGenetics, part of Exact Sciences
Classification: Benign for SRGAP3-related condition. Last evaluated: 2019-07-10. Review status: no assertion criteria provided. Collection method: clinical testing. Allele origin: germline. Not counted in ClinVar's aggregate classification.
Comment: This variant is classified as benign based on ACMG/AMP sequence variant interpretation guidelines (Richards et al. 2015 PMID: 25741868, with internal and published modifications).

Dr. Peter K. Rogan Lab, Western University
No classification provided (evidence only). Condition: Colon adenocarcinoma. Review status: no classification provided. Collection method: in vitro. Allele origin: not applicable. Functional consequence: retained intron. Not counted in ClinVar's aggregate classification.